The following is an entry in ClinVar:

ClinVar aggregate classification (germline): Uncertain significance. Review status: criteria provided, multiple submitters, no conflicts (2 of 4 stars). 2 submissions from 2 submitters: Uncertain significance (2). Last evaluated 2025-10-11.

Conditions:
Hereditary cancer-predisposing syndrome. Also called: Tumor predisposition; Neoplastic Syndromes, Hereditary; Hereditary neoplastic syndrome; Hereditary Cancer Syndrome. Identifiers: Orphanet 140162, MedGen C0027672, MeSH D009386, MONDO:0015356.
Gastrointestinal stromal tumor. Also called: Gastrointestinal stromal tumor, somatic; Gastrointestinal stroma tumor. Identifiers: Orphanet 44890, MedGen C0238198, MeSH D046152, MONDO:0011719, OMIM 606764, HP:0100723.

Submissions (2):

Ambry Genetics
Classification: Uncertain significance for Hereditary cancer-predisposing syndrome. Last evaluated: 2025-10-11. Review status: criteria provided, single submitter. Criteria: Ambry Variant Classification Scheme 2023. Collection method: clinical testing. Allele origin: germline.
Comment: The p.V531I variant (also known as c.1591G>A), located in coding exon 10 of the PDGFRA gene, results from a G to A substitution at nucleotide position 1591. The valine at codon 531 is replaced by isoleucine, an amino acid with highly similar properties. This amino acid position is conserved. In addition, the in silico prediction for this alteration is inconclusive. Based on the available evidence, the clinical significance of this variant remains unclear.

Labcorp Genetics (formerly Invitae), Labcorp
Classification: Uncertain significance for Gastrointestinal stromal tumor. Last evaluated: 2020-07-20. Review status: criteria provided, single submitter. Criteria: Invitae Variant Classification Sherloc (09022015). Collection method: clinical testing. Allele origin: germline.
Comment: This variant is not present in population databases (ExAC no frequency). This sequence change replaces valine with isoleucine at codon 531 of the PDGFRA protein (p.Val531Ile). The valine residue is highly conserved and there is a small physicochemical difference between valine and isoleucine. This variant has not been reported in the literature in individuals with PDGFRA-related conditions. In summary, the available evidence is currently insufficient to determine the role of this variant in disease. Therefore, it has been classified as a Variant of Uncertain Significance. Algorithms developed to predict the effect of missense changes on protein structure and function (SIFT, PolyPhen-2, Align-GVGD) all suggest that this variant is likely to be tolerated, but these predictions have not been confirmed by published functional studies and their clinical significance is uncertain.

NM_006206.6(PDGFRA):c.1591G>A (p.Val531Ile)

Gene: PDGFRA (platelet derived growth factor receptor alpha; plus strand). Cytogenetic location: 4q12.
Variant type: single nucleotide variant.
Coding change: c.1591G>A on transcript NM_006206.6 (MANE Select); coding-DNA position 1591, G replaced by A.
Protein change: p.Val531Ile; replaces valine 531 with isoleucine.
Molecular consequence: missense variant.
Genome position (GRCh38, 1-based): chr4:54,274,563, G>A. VCF-style: chr4-54274563-G-A. GRCh37 (hg19) VCF-style: chr4-55140730-G-A.
Other names: c.1591G>A, p.Val531Ile (NM_001347827.2, NM_001347829.2); c.1666G>A, p.Val556Ile (NM_001347828.2); c.1630G>A, p.Val544Ile (NM_001347830.2); c.1591G>A (NM_006206.4); short protein forms V531I, V544I, V556I.
Identifiers: ClinVar variation 1023579 (VCV001023579.9), dbSNP rs1723602574, ClinGen allele CA356892882.
Genomic context (GRCh38, chr4:54,274,563, plus strand): 5'-CATTGTGCCTCTCTCTCTTGTCACGTAGCCCTGCGTTCTGAACTCACGGTGGCTGCTGCA[G>A]TCCTGGTGCTGTTGGTGATTGTGATCATCTCACTTATTGTCCTGGTTGTCATTTGGAAAC-3'
Protein context (NP_006197.1, residues 521-541): LRSELTVAAA[Val531Ile]LVLLVIVIIS